The following is an entry in ClinVar:

NM_018136.5(ASPM):c.8098C>T (p.Arg2700Ter)

Gene: ASPM (assembly factor for spindle microtubules; minus strand). Cytogenetic location: 1q31.3.
Variant type: single nucleotide variant.
Coding change: c.8098C>T on transcript NM_018136.5 (MANE Select); coding-DNA position 8098, C replaced by T.
Protein change: p.Arg2700Ter; replaces arginine 2700 with a stop codon.
Molecular consequence: nonsense. On other transcripts: intron variant (1).
Genome position (GRCh38, 1-based): chr1:197,101,153, G>A on the plus strand (C>T on the coding strand, the complement: ASPM is on the minus strand). VCF-style: chr1-197101153-G-A. GRCh37 (hg19) VCF-style: chr1-197070283-G-A.
Other names: c.4066-4989C>T (NM_001206846.2); short protein forms R2700*.
Identifiers: ClinVar variation 242641 (VCV000242641.10), dbSNP rs730882076, ClinGen allele CA051227.
Genomic context (GRCh38, chr1:197,101,153, plus strand): 5'-TCTGTATAACCACAATTGCAGTTTTCTTTGTTTCATAATCAACTTTGGCCCTGTGCATTC[G>A]ATAGAATGACTGAATTAGTGTGGCAGCCCGGTGCATATTTTGAATATCCTTTCGTACTTT-3'

ClinVar aggregate classification (germline): Pathogenic. Review status: criteria provided, multiple submitters, no conflicts (2 of 4 stars). 3 submissions from 3 submitters: Pathogenic (3). Last evaluated 2025-09-03.

Conditions:
Microcephaly 5, primary, autosomal recessive (MCPH5). Also called: ASPM Primary Microcephaly. Identifiers: Orphanet 2512, MedGen C1837501, MONDO:0012106, OMIM 608716.

Allele frequency attached by ClinVar (database versions not stated): gnomAD exomes below 0.00001; ExAC 0.00001.
gnomAD v4.1: 3 of 1,612,164 alleles (0.00019%); highest among the groups gnomAD compares: East Asian, 0.0022%; no homozygotes.

Submissions (3):

Labcorp Genetics (formerly Invitae), Labcorp
Classification: Pathogenic. Last evaluated: 2025-09-03. Review status: criteria provided, single submitter. Criteria: Invitae Variant Classification Sherloc (09022015). Collection method: clinical testing. Allele origin: germline.
Comment: This sequence change creates a premature translational stop signal (p.Arg2700*) in the ASPM gene. It is expected to result in an absent or disrupted protein product. Loss-of-function variants in ASPM are known to be pathogenic (PMID: 19028728, 23611254). The frequency data for this variant in the population databases is considered unreliable, as metrics indicate poor data quality at this position in the gnomAD database. This premature translational stop signal has been observed in individual(s) with ASPM-related conditions (PMID: 25786579, 29302074). ClinVar contains an entry for this variant (Variation ID: 242641). For these reasons, this variant has been classified as Pathogenic.

Institute of Human Genetics, University of Leipzig Medical Center
Classification: Pathogenic for Microcephaly 5, primary, autosomal recessive. Last evaluated: 2024-12-05. Review status: criteria provided, single submitter. Criteria: ACMG Guidelines, 2015. Collection method: clinical testing. Allele origin: unknown. Inheritance: Autosomal recessive inheritance. Affected: yes.
Comment: Criteria applied: PVS1,PM2

Juno Genomics, Hangzhou Juno Genomics, Inc
Classification: Pathogenic for Microcephaly 5, primary, autosomal recessive. Review status: criteria provided, single submitter. Criteria: ACMG Guidelines, 2015. Collection method: clinical testing. Allele origin: germline. Affected: yes.
Comment: Absent from controls (or at extremely low frequency if recessive) in Genome Aggregation Database, Exome Sequencing Project, 1000 Genomes Project, or Exome Aggregation Consortium.;Null variant in a gene where loss of function (LOF) is a known mechanism of disease.;For recessive disorders, detected in trans with a pathogenic variant.;Co-segregation with disease in multiple affected family members in a gene definitively known to cause the disease.

Literature cited by the submitters: PubMed 19028728 (cited by Labcorp Genetics (formerly Invitae), Labcorp); PubMed 23611254 (cited by Labcorp Genetics (formerly Invitae), Labcorp); PubMed 25786579 (cited by Labcorp Genetics (formerly Invitae), Labcorp); PubMed 29302074 (cited by Labcorp Genetics (formerly Invitae), Labcorp).